The following is an entry in ClinVar:

ClinVar aggregate classification (germline): Uncertain significance. Review status: criteria provided, multiple submitters, no conflicts (2 of 4 stars). 2 submissions from 2 submitters: Uncertain significance (2). Last evaluated 2024-09-30.

Conditions:
Inborn genetic diseases. Identifiers: MedGen C0950123, MeSH D030342.

Allele frequency attached by ClinVar (database versions not stated): ExAC 0.00001; gnomAD 0.00001; TOPMed 0.00001; gnomAD exomes 0.00002.
gnomAD v4.1: 27 of 1,613,978 alleles (0.0017%); highest among the groups gnomAD compares: Non-Finnish European, 0.0023%; no homozygotes.

Submissions (2):

Labcorp Genetics (formerly Invitae), Labcorp
Classification: Uncertain significance. Last evaluated: 2024-09-30. Review status: criteria provided, single submitter. Criteria: Invitae Variant Classification Sherloc (09022015). Collection method: clinical testing. Allele origin: germline.
Comment: This sequence change replaces leucine, which is neutral and non-polar, with phenylalanine, which is neutral and non-polar, at codon 58 of the HPS5 protein (p.Leu58Phe). This variant is present in population databases (rs771441954, gnomAD 0.0009%). This variant has not been reported in the literature in individuals affected with HPS5-related conditions. ClinVar contains an entry for this variant (Variation ID: 1965591). An algorithm developed to predict the effect of missense changes on protein structure and function (PolyPhen-2) suggests that this variant is likely to be disruptive. In summary, the available evidence is currently insufficient to determine the role of this variant in disease. Therefore, it has been classified as a Variant of Uncertain Significance.

Ambry Genetics
Classification: Uncertain significance for Inborn genetic diseases. Last evaluated: 2023-08-08. Review status: criteria provided, single submitter. Criteria: Ambry Variant Classification Scheme 2023. Collection method: clinical testing. Allele origin: germline.

NM_181507.2(HPS5):c.172C>T (p.Leu58Phe)

Gene: HPS5 (HPS5 biogenesis of lysosomal organelles complex 2 subunit 2; minus strand). Cytogenetic location: 11p15.1.
Variant type: single nucleotide variant.
Coding change: c.172C>T on transcript NM_181507.2 (MANE Select); coding-DNA position 172, C replaced by T.
Protein change: p.Leu58Phe; replaces leucine 58 with phenylalanine.
Molecular consequence: missense variant. On other transcripts: 5 prime UTR variant (1).
Genome position (GRCh38, 1-based): chr11:18,311,961, G>A on the plus strand (C>T on the coding strand, the complement: HPS5 is on the minus strand). VCF-style: chr11-18311961-G-A. GRCh37 (hg19) VCF-style: chr11-18333508-G-A.
Other names: c.-171C>T (NM_007216.4, NM_181508.2); short protein forms L58F.
Identifiers: ClinVar variation 1965591 (VCV001965591.5), dbSNP rs771441954, ClinGen allele CA5910555.